The following is an entry in ClinVar:

NM_001378454.1(ALMS1):c.5174C>A (p.Ala1725Asp)

Gene: ALMS1 (ALMS1 centrosome and basal body associated protein; plus strand). Cytogenetic location: 2p13.1.
Variant type: single nucleotide variant.
Coding change: c.5174C>A on transcript NM_001378454.1 (MANE Select); coding-DNA position 5174, C replaced by A.
Protein change: p.Ala1725Asp; replaces alanine 1725 with aspartic acid.
Molecular consequence: missense variant.
Genome position (GRCh38, 1-based): chr2:73,451,701, C>A. VCF-style: chr2-73451701-C-A. GRCh37 (hg19) VCF-style: chr2-73678828-C-A.
Other names: c.5177C>A, p.Ala1726Asp (NM_015120.4); short protein forms A1726D, A1725D.
Identifiers: ClinVar variation 550330 (VCV000550330.7), dbSNP rs764135516, ClinGen allele CA1713834.

ClinVar aggregate classification (germline): Uncertain significance. Review status: criteria provided, single submitter (1 of 4 stars). 2 submissions from 2 submitters: Uncertain significance (1). 1 of the submissions does not count toward it. Last evaluated 2025-03-10.

Conditions:
Alstrom syndrome (ALMS). Identifiers: Orphanet 64, MedGen C0268425, MONDO:0008763, OMIM 203800.

Allele frequency attached by ClinVar (database versions not stated): ExAC 0.00001; gnomAD 0.00001; gnomAD exomes below 0.00001.
gnomAD v4.1: 7 of 1,613,496 alleles (0.00043%); highest among the groups gnomAD compares: Non-Finnish European, 0.00059%; no homozygotes.

Submissions (2):

Labcorp Genetics (formerly Invitae), Labcorp
Classification: Uncertain significance for Alstrom syndrome. Last evaluated: 2025-03-10. Review status: criteria provided, single submitter. Criteria: Invitae Variant Classification Sherloc (09022015). Collection method: clinical testing. Allele origin: germline.
Comment: This sequence change replaces alanine, which is neutral and non-polar, with aspartic acid, which is acidic and polar, at codon 1726 of the ALMS1 protein (p.Ala1726Asp). This variant is present in population databases (rs764135516, gnomAD 0.002%). This variant has not been reported in the literature in individuals affected with ALMS1-related conditions. ClinVar contains an entry for this variant (Variation ID: 550330). Experimental studies and prediction algorithms are not available or were not evaluated, and the functional significance of this variant is currently unknown. In summary, the available evidence is currently insufficient to determine the role of this variant in disease. Therefore, it has been classified as a Variant of Uncertain Significance.

Counsyl
Classification: Uncertain significance for Alstrom syndrome. Last evaluated: 2017-01-11. Review status: no assertion criteria provided. Collection method: clinical testing. Allele origin: unknown. Not counted in ClinVar's aggregate classification.